The following is an entry in ClinVar:

ClinVar aggregate classification (germline): Uncertain significance (1 of 4 stars; one submission).

Conditions:
Hereditary nonpolyposis colorectal neoplasms. Identifiers: MedGen C0009405, MeSH D003123.

Submission:

Labcorp Genetics (formerly Invitae), Labcorp
Classification: Uncertain significance for Hereditary nonpolyposis colorectal neoplasms. Last evaluated: 2021-08-28. Review status: criteria provided, single submitter. Criteria: Invitae Variant Classification Sherloc (09022015). Collection method: clinical testing. Allele origin: germline.
Comment: In summary, the available evidence is currently insufficient to determine the role of this variant in disease. Therefore, it has been classified as a Variant of Uncertain Significance. Advanced modeling of protein sequence and biophysical properties (such as structural, functional, and spatial information, amino acid conservation, physicochemical variation, residue mobility, and thermodynamic stability) performed at Invitae indicates that this missense variant is not expected to disrupt MSH6 protein function. This variant has not been reported in the literature in individuals affected with MSH6-related conditions. This variant is not present in population databases (ExAC no frequency). This sequence change replaces serine with glycine at codon 275 of the MSH6 protein (p.Ser275Gly). The serine residue is moderately conserved and there is a small physicochemical difference between serine and glycine.

NM_000179.3(MSH6):c.823A>G (p.Ser275Gly)

Gene: MSH6 (mutS homolog 6; plus strand). Cytogenetic location: 2p16.3.
Variant type: single nucleotide variant.
Coding change: c.823A>G on transcript NM_000179.3 (MANE Select); coding-DNA position 823, A replaced by G.
Protein change: p.Ser275Gly; replaces serine 275 with glycine.
Molecular consequence: missense variant. On other transcripts: 5 prime UTR variant (2).
Genome position (GRCh38, 1-based): chr2:47,798,806, A>G. VCF-style: chr2-47798806-A-G. GRCh37 (hg19) VCF-style: chr2-48025945-A-G.
Other names: c.433A>G, p.Ser145Gly (NM_001281492.2); c.-84A>G (NM_001281493.2, NM_001281494.2); short protein forms S275G, S145G.
Identifiers: ClinVar variation 1473253 (VCV001473253.6), dbSNP rs2104299674, ClinGen allele CA346740430.